The following is an entry in ClinVar:

NM_001360.3(DHCR7):c.627-88G>A

Gene: DHCR7 (7-dehydrocholesterol reductase; minus strand). Cytogenetic location: 11q13.4.
Variant type: single nucleotide variant.
Coding change: c.627-88G>A on transcript NM_001360.3 (MANE Select); 88 bases into the intron before coding-DNA position 627, G replaced by A.
Molecular consequence: intron variant.
Genome position (GRCh38, 1-based): chr11:71,439,171, C>T on the plus strand (G>A on the coding strand, the complement: DHCR7 is on the minus strand). VCF-style: chr11-71439171-C-T. GRCh37 (hg19) VCF-style: chr11-71150217-C-T.
Other names: c.627-88G>A (NM_001163817.2).
Identifiers: ClinVar variation 673331 (VCV000673331.2), dbSNP rs2852853, ClinGen allele CA13421470.

ClinVar aggregate classification (germline): Benign. Review status: criteria provided, multiple submitters, no conflicts (2 of 4 stars). 2 submissions from 2 submitters: Benign (2). Last evaluated 2018-06-16.

Allele frequency attached by ClinVar (database versions not stated): 1000 Genomes Project 0.38179; 1000 Genomes Project 30x 0.38601; TOPMed 0.54679; gnomAD 0.55069 and 0.56093; gnomAD exomes 0.67939.
gnomAD v4.1: 851,294 of 1,285,804 alleles (66%); highest among the groups gnomAD compares: Non-Finnish European, 76%; 303,123 homozygotes.

Submissions (2):

GeneDx
Classification: Benign. Last evaluated: 2018-06-16. Review status: criteria provided, single submitter. Criteria: GeneDx Variant Classification (06012015). Collection method: clinical testing. Allele origin: germline. Affected: yes.
Comment: This variant is considered likely benign or benign based on one or more of the following criteria: it is a conservative change, it occurs at a poorly conserved position in the protein, it is predicted to be benign by multiple in silico algorithms, and/or has population frequency not consistent with disease.

Breakthrough Genomics
Classification: Benign. Review status: criteria provided, single submitter. Criteria: ACMG Guidelines, 2015. Collection method: not provided. Allele origin: germline. Inheritance: Autosomal recessive inheritance. Affected: yes.